The following is an entry in ClinVar:

ClinVar aggregate classification (germline): Uncertain significance (1 of 4 stars; one submission).

Allele frequency attached by ClinVar (database versions not stated): gnomAD 0.00001; gnomAD exomes 0.00001 and 0.00003; ExAC 0.00003; 1000 Genomes Project 30x 0.00016; 1000 Genomes Project 0.00020.
gnomAD v4.1: 16 of 1,613,416 alleles (0.00099%); highest among the groups gnomAD compares: East Asian, 0.013%; no homozygotes.

Submission:

Labcorp Genetics (formerly Invitae), Labcorp
Classification: Uncertain significance. Last evaluated: 2024-12-28. Review status: criteria provided, single submitter. Criteria: Invitae Variant Classification Sherloc (09022015). Collection method: clinical testing. Allele origin: germline.
Comment: This sequence change replaces valine, which is neutral and non-polar, with alanine, which is neutral and non-polar, at codon 1517 of the PTPN23 protein (p.Val1517Ala). This variant is present in population databases (rs565413425, gnomAD 0.03%). This variant has not been reported in the literature in individuals affected with PTPN23-related conditions. ClinVar contains an entry for this variant (Variation ID: 1435723). An algorithm developed to predict the effect of missense changes on protein structure and function outputs the following: PolyPhen-2: "Benign". The alanine amino acid residue is found in multiple mammalian species, which suggests that this missense change does not adversely affect protein function. In summary, the available evidence is currently insufficient to determine the role of this variant in disease. Therefore, it has been classified as a Variant of Uncertain Significance.

NM_015466.4(PTPN23):c.4550T>C (p.Val1517Ala)

Gene: PTPN23 (protein tyrosine phosphatase non-receptor type 23; plus strand). Cytogenetic location: 3p21.31.
Variant type: single nucleotide variant.
Coding change: c.4550T>C on transcript NM_015466.4 (MANE Select); coding-DNA position 4550, T replaced by C.
Protein change: p.Val1517Ala; replaces valine 1517 with alanine.
Molecular consequence: missense variant.
Genome position (GRCh38, 1-based): chr3:47,412,824, T>C. VCF-style: chr3-47412824-T-C. GRCh37 (hg19) VCF-style: chr3-47454314-T-C.
Other names: c.4172T>C, p.Val1391Ala (NM_001304482.2); short protein forms V1517A, V1391A.
Identifiers: ClinVar variation 1435723 (VCV001435723.7), dbSNP rs565413425, ClinGen allele CA2366631.